The following is an entry in ClinVar:

NM_001385875.1(ZFYVE27):c.*500C>T

Gene: ZFYVE27 (zinc finger FYVE-type containing 27; plus strand). Cytogenetic location: 10q24.2.
Variant type: single nucleotide variant.
Coding change: c.*500C>T on transcript NM_001385875.1 (MANE Select); 500 bases downstream of the stop codon, C replaced by T.
Molecular consequence: 3 prime UTR variant. On other transcripts: non-coding transcript variant (17).
Genome position (GRCh38, 1-based): chr10:97,759,800, C>T. VCF-style: chr10-97759800-C-T. GRCh37 (hg19) VCF-style: chr10-99519557-C-T.
Other names: c.*500C>T (NM_001002261.4, NM_001002262.4, NM_001174119.2 and 39 more transcripts).
Identifiers: ClinVar variation 878908 (VCV000878908.4), dbSNP rs148426983, ClinGen allele CA212697484.

ClinVar aggregate classification (germline): Benign (1 of 4 stars; one submission).

Conditions:
Hereditary spastic paraplegia 33. Also called: SPASTIC PARAPLEGIA 33, AUTOSOMAL DOMINANT. Identifiers: MedGen C1853251, MONDO:0012448, OMIM 610244.

Allele frequency attached by ClinVar (database versions not stated): gnomAD exomes 0.00051; 1000 Genomes Project 0.00160; 1000 Genomes Project 30x 0.00187; TOPMed 0.00224; gnomAD 0.00232 and 0.00254.
gnomAD v4.1: 369 of 191,708 alleles (0.19%); highest among the groups gnomAD compares: African/African-American, 0.79%; 2 homozygotes.

Submission:

Illumina Laboratory Services, Illumina
Classification: Benign for Hereditary spastic paraplegia 33. Last evaluated: 2018-01-13. Review status: criteria provided, single submitter. Criteria: ICSL Variant Classification Criteria 13 December 2019. Collection method: clinical testing. Allele origin: germline.
Comment: This variant was observed in the ICSL laboratory as part of a predisposition screen in an ostensibly healthy population. It had not been previously curated by ICSL or reported in the Human Gene Mutation Database (HGMD: prior to June 1st, 2018), and was therefore a candidate for classification through an automated scoring system. Utilizing variant allele frequency, disease prevalence and penetrance estimates, and inheritance mode, an automated score was calculated to assess if this variant is too frequent to cause the disease. Based on the score and internal cut-off values, a variant classified as benign is not then subjected to further curation. The score for this variant resulted in a classification of benign for this disease.